The following is an entry in ClinVar:

ClinVar aggregate classification (germline): Pathogenic (1 of 4 stars; one submission).

Conditions:
Inborn genetic diseases. Identifiers: MedGen C0950123, MeSH D030342.

Submission:

Ambry Genetics
Classification: Pathogenic for Inborn genetic diseases. Last evaluated: 2024-02-16. Review status: criteria provided, single submitter. Criteria: Ambry Variant Classification Scheme 2023. Collection method: clinical testing. Allele origin: germline.
Comment: The c.3481_3482delAGinsT (p.S1161Ffs*11) alteration, located in exon 20 (coding exon 19) of the SIN3A gene, consists of a deletion of 2 and insertion of 1 nucleotides causing a translational frameshift at position 3481 with a predicted alternate stop codon after 11 amino acids. This alteration is expected to result in loss of function by premature protein truncation or nonsense-mediated mRNA decay. This variant was not reported in population-based cohorts in the Genome Aggregation Database (gnomAD). Based on the available evidence, this alteration is classified as pathogenic.

NM_001145358.2(SIN3A):c.3481_3482delinsT (p.Ser1161fs)

Gene: SIN3A (SIN3 transcription regulator family member A; minus strand). Cytogenetic location: 15q24.2.
Variant type: Indel.
Coding change: c.3481_3482delinsT on transcript NM_001145358.2 (MANE Select); coding-DNA positions 3481 to 3482, AG replaced by T.
Protein change: p.Ser1161fs; shifts the reading frame from serine 1161.
Molecular consequence: frameshift variant.
Genome position (GRCh38, 1-based): chr15:75,375,774-75,375,775, CT replaced by A on the plus strand (AG replaced by T on the coding strand, the reverse complement: SIN3A is on the minus strand). VCF-style: chr15-75375774-CT-A. GRCh37 (hg19) VCF-style: chr15-75668115-CT-A.
Other names: c.3481_3482delinsT, p.Ser1161fs (NM_001145357.2, NM_015477.3); short protein forms S1161fs.
Identifiers: ClinVar variation 3162314 (VCV003162314.1), dbSNP rs2542997297, ClinGen allele CA2825002302.